The following is an entry in ClinVar:

NM_001378615.1(CC2D2A):c.4206G>C (p.Trp1402Cys)

Genes: CC2D2A (coiled-coil and C2 domain containing 2A; plus strand), FBXL5 (F-box and leucine rich repeat protein 5; minus strand). Cytogenetic location: 4p15.32.
Variant type: single nucleotide variant.
Coding change: c.4206G>C on transcript NM_001378615.1 (MANE Select); coding-DNA position 4206, G replaced by C.
Protein change: p.Trp1402Cys; replaces tryptophan 1402 with cysteine.
Molecular consequence: missense variant.
Genome position (GRCh38, 1-based): chr4:15,589,571, G>C. VCF-style: chr4-15589571-G-C. GRCh37 (hg19) VCF-style: chr4-15591194-G-C.
Other names: c.4059G>C, p.Trp1353Cys (NM_001378617.1); c.4206G>C, p.Trp1402Cys (NM_001080522.2); short protein forms W1353C, W1402C.
Identifiers: ClinVar variation 1011063 (VCV001011063.9), dbSNP rs1720998794, ClinGen allele CA356429572.
Genomic context (GRCh38, chr4:15,589,571, plus strand): 5'-TTGAAAACTAGTTTTAATGGCCATCTTCTTTCAGGGTCCAACTGCCTATGTGCTAACTTG[G>C]GAGCAAGGTCGTTATTTAATATGGAATCCCTGCAGTGGACATTTTTATGGACAATTTGAT-3'
Protein context (NP_001365544.1, residues 1392-1412): PEGPTAYVLT[Trp1402Cys]EQGRYLIWNP

ClinVar aggregate classification (germline): Uncertain significance (1 of 4 stars; one submission).

Conditions:
Joubert syndrome. Also called: JOUBERT-BOLTSHAUSER SYNDROME; Familial aplasia of the vermis. Identifiers: Orphanet 475, MedGen C5979921, MONDO:0018772.
Meckel-Gruber syndrome. Also called: Dysencephalia splachnocystica; DYSENCEPHALIA SPLANCHNOCYSTICA; GRUBER SYNDROME. Identifiers: Orphanet 564, MedGen C0265215, MONDO:0018921.

Submission:

Labcorp Genetics (formerly Invitae), Labcorp
Classification: Uncertain significance for Joubert syndrome; Meckel-Gruber syndrome. Last evaluated: 2022-03-10. Review status: criteria provided, single submitter. Criteria: Invitae Variant Classification Sherloc (09022015). Collection method: clinical testing. Allele origin: germline.
Comment: In summary, the available evidence is currently insufficient to determine the role of this variant in disease. Therefore, it has been classified as a Variant of Uncertain Significance. Advanced modeling of protein sequence and biophysical properties (such as structural, functional, and spatial information, amino acid conservation, physicochemical variation, residue mobility, and thermodynamic stability) performed at Invitae indicates that this missense variant is expected to disrupt CC2D2A protein function. ClinVar contains an entry for this variant (Variation ID: 1011063). This variant has not been reported in the literature in individuals affected with CC2D2A-related conditions. This variant is not present in population databases (gnomAD no frequency). This sequence change replaces tryptophan, which is neutral and slightly polar, with cysteine, which is neutral and slightly polar, at codon 1402 of the CC2D2A protein (p.Trp1402Cys).